The following is an entry in ClinVar:

ClinVar aggregate classification (germline): Uncertain significance (1 of 4 stars; one submission).

gnomAD v4.1: 2 of 1,608,880 alleles (0.00012%); highest among the groups gnomAD compares: Non-Finnish European, 0.00017%; no homozygotes.

Submission:

GeneDx
Classification: Uncertain significance. Last evaluated: 2024-04-30. Review status: criteria provided, single submitter. Criteria: GeneDx Variant Classification Process June 2021. Collection method: clinical testing. Allele origin: germline. Affected: yes.
Comment: Not observed at significant frequency in large population cohorts (gnomAD); In silico analysis indicates that this missense variant does not alter protein structure/function; Has not been previously published as pathogenic or benign to our knowledge

NM_025137.4(SPG11):c.5129A>G (p.Gln1710Arg)

Gene: SPG11 (SPG11 vesicle trafficking associated, spatacsin; minus strand). Cytogenetic location: 15q21.1.
Variant type: single nucleotide variant.
Coding change: c.5129A>G on transcript NM_025137.4 (MANE Select); coding-DNA position 5129, A replaced by G.
Protein change: p.Gln1710Arg; replaces glutamine 1710 with arginine.
Molecular consequence: missense variant. On other transcripts: intron variant (1).
Genome position (GRCh38, 1-based): chr15:44,584,551, T>C on the plus strand (A>G on the coding strand, the complement: SPG11 is on the minus strand). VCF-style: chr15-44584551-T-C. GRCh37 (hg19) VCF-style: chr15-44876749-T-C.
Other names: c.5129A>G, p.Gln1710Arg (NM_001160227.2); c.5122-137A>G (NM_001411132.1); short protein forms Q1710R.
Identifiers: ClinVar variation 3372542 (VCV003372542.1).